The following is an entry in ClinVar:

NM_001394372.1(BICRA):c.2070C>G (p.Ile690Met)

Gene: BICRA (BRD4 interacting chromatin remodeling complex associated protein; plus strand). Cytogenetic location: 19q13.33.
Variant type: single nucleotide variant.
Coding change: c.2070C>G on transcript NM_001394372.1 (MANE Select); coding-DNA position 2070, C replaced by G.
Protein change: p.Ile690Met; replaces isoleucine 690 with methionine.
Molecular consequence: missense variant.
Genome position (GRCh38, 1-based): chr19:47,681,240, C>G. VCF-style: chr19-47681240-C-G. GRCh37 (hg19) VCF-style: chr19-48184497-C-G.
Other names: c.2070C>G, p.Ile690Met (NM_015711.3); short protein forms I690M.
Identifiers: ClinVar variation 3359562 (VCV003359562.1).

ClinVar aggregate classification (germline): Uncertain significance (1 of 4 stars; one submission).

Submission:

GeneDx
Classification: Uncertain significance. Last evaluated: 2023-06-07. Review status: criteria provided, single submitter. Criteria: GeneDx Variant Classification Process June 2021. Collection method: clinical testing. Allele origin: germline. Affected: yes.
Comment: Not observed at significant frequency in large population cohorts (gnomAD); In silico analysis supports that this missense variant does not alter protein structure/function; Has not been previously published as pathogenic or benign to our knowledge